The following is an entry in ClinVar:

NM_024312.5(GNPTAB):c.609C>G (p.Ser203Arg)

Gene: GNPTAB (N-acetylglucosamine-1-phosphate transferase subunits alpha and beta; minus strand). Cytogenetic location: 12q23.2.
Variant type: single nucleotide variant.
Coding change: c.609C>G on transcript NM_024312.5 (MANE Select); coding-DNA position 609, C replaced by G.
Protein change: p.Ser203Arg; replaces serine 203 with arginine.
Molecular consequence: missense variant.
Genome position (GRCh38, 1-based): chr12:101,780,584, G>C on the plus strand (C>G on the coding strand, the complement: GNPTAB is on the minus strand). VCF-style: chr12-101780584-G-C. GRCh37 (hg19) VCF-style: chr12-102174362-G-C.
Other names: short protein forms S203R.
Identifiers: ClinVar variation 882836 (VCV000882836.7), dbSNP rs529994474, ClinGen allele CA6746829.
Genomic context (GRCh38, chr12:101,780,584, plus strand): 5'-TGTAAAAATGCAATTAAATTTAAAATAACATACCAAGTAGCCCCTCCATACTGTCTGTCT[G>C]CTATTTCCTTTAAGCAGTCCAGAGTGGGCATCTTCAACTACAACCAAGAATACAATAAAC-3'
Protein context (NP_077288.2, residues 193-213): DAHSGLLKGN[Ser203Arg]RQTVWRGYLT

ClinVar aggregate classification (germline): Uncertain significance. Review status: criteria provided, multiple submitters, no conflicts (2 of 4 stars). 4 submissions from 3 submitters: Uncertain significance (4). Last evaluated 2025-11-25.

Conditions:
Inborn genetic diseases. Identifiers: MedGen C0950123, MeSH D030342.
Mucolipidosis type II. Also called: Mucolipidosis II Alpha/Beta; ML II ALPHA/BETA; Mucolipidosis 2; ML 2; Inclusion cell disease; Leroy Disease. Identifiers: Orphanet 576, MedGen C2673377, MONDO:0009650, OMIM 252500.
Pseudo-Hurler polydystrophy. Also called: MUCOLIPIDOSIS IIIA; ML III; ML III ALPHA/BETA; Type III Mucolipidosis; Mucolipidosis III Alpha/Beta; ML IIIA. Identifiers: Orphanet 423461, Orphanet 577, MedGen C0033788, MONDO:0018931, OMIM 252600.

Allele frequency attached by ClinVar (database versions not stated): gnomAD exomes 0.00002; TOPMed 0.00005; gnomAD 0.00001 and 0.00002; ExAC 0.00003.
gnomAD v4.1: 41 of 1,611,406 alleles (0.0025%); highest among the groups gnomAD compares: Middle Eastern, 0.1%; no homozygotes.

Submissions (4):

Labcorp Genetics (formerly Invitae), Labcorp
Classification: Uncertain significance for Pseudo-Hurler polydystrophy; Mucolipidosis type II. Last evaluated: 2025-11-25. Review status: criteria provided, single submitter. Criteria: Invitae Variant Classification Sherloc (09022015). Collection method: clinical testing. Allele origin: germline.
Comment: This sequence change replaces serine, which is neutral and polar, with arginine, which is basic and polar, at codon 203 of the GNPTAB protein (p.Ser203Arg). This variant is present in population databases (rs529994474, gnomAD 0.009%). This variant has not been reported in the literature in individuals affected with GNPTAB-related conditions. ClinVar contains an entry for this variant (Variation ID: 882836). Invitae Evidence Modeling of protein sequence and biophysical properties (such as structural, functional, and spatial information, amino acid conservation, physicochemical variation, residue mobility, and thermodynamic stability) indicates that this missense variant is not expected to disrupt GNPTAB protein function with a negative predictive value of 80%. In summary, the available evidence is currently insufficient to determine the role of this variant in disease. Therefore, it has been classified as a Variant of Uncertain Significance.

Ambry Genetics
Classification: Uncertain significance for Inborn genetic diseases. Last evaluated: 2025-06-06. Review status: criteria provided, single submitter. Criteria: Ambry Variant Classification Scheme 2023. Collection method: clinical testing. Allele origin: germline.

Illumina Laboratory Services, Illumina
Classification: Uncertain significance for Pseudo-Hurler polydystrophy. Last evaluated: 2018-01-12. Review status: criteria provided, single submitter. Criteria: ICSL Variant Classification Criteria 13 December 2019. Collection method: clinical testing. Allele origin: germline.

Illumina Laboratory Services, Illumina
Classification: Uncertain significance for Mucolipidosis type II. Last evaluated: 2018-01-12. Review status: criteria provided, single submitter. Criteria: ICSL Variant Classification Criteria 13 December 2019. Collection method: clinical testing. Allele origin: germline.